The following is an entry in ClinVar:

ClinVar aggregate classification (germline): Uncertain significance (1 of 4 stars; one submission).

Conditions:
Familial acute necrotizing encephalopathy (IIAE3). Also called: ENCEPHALOPATHY, ACUTE, INFECTION-INDUCED, SUSCEPTIBILITY TO, 3; Susceptibility to Acute Necrotizing Encephalopathy 1. Identifiers: Orphanet 88619, MedGen C2675556, MONDO:0011953, OMIM 608033.

Submission:

Labcorp Genetics (formerly Invitae), Labcorp
Classification: Uncertain significance for Familial acute necrotizing encephalopathy. Last evaluated: 2020-10-28. Review status: criteria provided, single submitter. Criteria: Invitae Variant Classification Sherloc (09022015). Collection method: clinical testing. Allele origin: germline.
Comment: This variant is not present in population databases (ExAC no frequency). This sequence change replaces glycine with aspartic acid at codon 900 of the RANBP2 protein (p.Gly900Asp). The glycine residue is highly conserved and there is a moderate physicochemical difference between glycine and aspartic acid. In summary, the available evidence is currently insufficient to determine the role of this variant in disease. Therefore, it has been classified as a Variant of Uncertain Significance. Algorithms developed to predict the effect of missense changes on protein structure and function are either unavailable or do not agree on the potential impact of this missense change (SIFT: "Deleterious"; PolyPhen-2: "Benign"; Align-GVGD: "Class C15"). This variant has not been reported in the literature in individuals with RANBP2-related conditions.

NM_006267.5(RANBP2):c.2699G>A (p.Gly900Asp)

Gene: RANBP2 (RAN binding protein 2; plus strand). Cytogenetic location: 2q13.
Variant type: single nucleotide variant.
Coding change: c.2699G>A on transcript NM_006267.5 (MANE Select); coding-DNA position 2699, G replaced by A.
Protein change: p.Gly900Asp; replaces glycine 900 with aspartic acid.
Molecular consequence: missense variant.
Genome position (GRCh38, 1-based): chr2:108,763,238, G>A. VCF-style: chr2-108763238-G-A. GRCh37 (hg19) VCF-style: chr2-109379694-G-A.
Other names: short protein forms G900D.
Identifiers: ClinVar variation 1043337 (VCV001043337.9), dbSNP rs1242824247, ClinGen allele CA348059060.
Genomic context (GRCh38, chr2:108,763,238, plus strand): 5'-TTTAGTTATCTGTAGTTTTGTAGACAATCTACAAAATGTTTTAACTTTCTGTCTTTTAGG[G>A]CCCAGTCTATGGCATGAATAGGCTTCCACCCCAACAGCATATTTATGCCTATCCGCAACA-3'
Protein context (NP_006258.3, residues 890-910): RPAANVTPTK[Gly900Asp]PVYGMNRLPP